The following is an entry in ClinVar:

ClinVar aggregate classification (germline): Uncertain significance (1 of 4 stars; one submission).

Submission:

GeneDx
Classification: Uncertain significance. Last evaluated: 2022-02-10. Review status: criteria provided, single submitter. Criteria: GeneDx Variant Classification Process June 2021. Collection method: clinical testing. Allele origin: germline. Affected: yes.
Comment: Not observed at significant frequency in large population cohorts (gnomAD); In silico analysis supports that this missense variant does not alter protein structure/function; Has not been previously published as pathogenic or benign to our knowledge

NM_014516.4(CNOT3):c.1356C>G (p.Ser452Arg)

Gene: CNOT3 (CCR4-NOT transcription complex subunit 3; plus strand). Cytogenetic location: 19q13.42.
Variant type: single nucleotide variant.
Coding change: c.1356C>G on transcript NM_014516.4 (MANE Select); coding-DNA position 1356, C replaced by G.
Protein change: p.Ser452Arg; replaces serine 452 with arginine.
Molecular consequence: missense variant.
Genome position (GRCh38, 1-based): chr19:54,148,693, C>G. VCF-style: chr19-54148693-C-G. GRCh37 (hg19) VCF-style: chr19-54652428-C-G.
Other names: short protein forms S452R.
Identifiers: ClinVar variation 1700831 (VCV001700831.2), dbSNP rs2146654761, ClinGen allele CA407765827.